The following is an entry in ClinVar:

ClinVar aggregate classification (germline): Likely benign (0 of 4 stars; one submission).

Conditions:
HERC2-related disorder. Also called: HERC2-related condition.

Allele frequency attached by ClinVar (database versions not stated): gnomAD exomes 0.00003; ExAC 0.00012; TOPMed 0.00029; gnomAD 0.00033; ESP Exome Variant Server 0.00054; 1000 Genomes Project 0.00060; 1000 Genomes Project 30x 0.00062.
gnomAD v4.1: 100 of 1,614,218 alleles (0.0062%); highest among the groups gnomAD compares: African/African-American, 0.11%; 2 homozygotes.

Submission:

PreventionGenetics, part of Exact Sciences
Classification: Likely benign for HERC2-related condition. Last evaluated: 2019-02-18. Review status: no assertion criteria provided. Collection method: clinical testing. Allele origin: germline.
Comment: This variant is classified as likely benign based on ACMG/AMP sequence variant interpretation guidelines (Richards et al. 2015 PMID: 25741868, with internal and published modifications).

NM_004667.6(HERC2):c.11202G>A (p.Thr3734=)

Gene: HERC2 (HECT and RLD domain containing E3 ubiquitin protein ligase 2; minus strand). Cytogenetic location: 15q13.1.
Variant type: single nucleotide variant.
Coding change: c.11202G>A on transcript NM_004667.6 (MANE Select); coding-DNA position 11202, G replaced by A.
Protein change: p.Thr3734=; no amino-acid change (threonine 3734 retained).
Molecular consequence: synonymous variant.
Genome position (GRCh38, 1-based): chr15:28,144,174, C>T on the plus strand (G>A on the coding strand, the complement: HERC2 is on the minus strand). VCF-style: chr15-28144174-C-T. GRCh37 (hg19) VCF-style: chr15-28389320-C-T.
Identifiers: ClinVar variation 3047821 (VCV003047821.2), dbSNP rs139346881, ClinGen allele CA7440617.